The following is an entry in ClinVar:

NM_000214.3(JAG1):c.3361C>A (p.Gln1121Lys)

Gene: JAG1 (jagged canonical Notch ligand 1; minus strand). Cytogenetic location: 20p12.2.
Variant type: single nucleotide variant.
Coding change: c.3361C>A on transcript NM_000214.3 (MANE Select); coding-DNA position 3361, C replaced by A.
Protein change: p.Gln1121Lys; replaces glutamine 1121 with lysine.
Molecular consequence: missense variant.
Genome position (GRCh38, 1-based): chr20:10,639,794, G>T on the plus strand (C>A on the coding strand, the complement: JAG1 is on the minus strand). VCF-style: chr20-10639794-G-T. GRCh37 (hg19) VCF-style: chr20-10620442-G-T.
Other names: short protein forms Q1121K.
Identifiers: ClinVar variation 5022874 (VCV005022874.1).

ClinVar aggregate classification (germline): Uncertain significance (1 of 4 stars; one submission).

Conditions:
Cardiovascular phenotype. Identifiers: MedGen CN230736.

gnomAD v4.1: 1 of 1,614,052 alleles (0.000062%); highest among the groups gnomAD compares: Non-Finnish European, 0.000085%; no homozygotes.

Submission:

Ambry Genetics
Classification: Uncertain significance for Cardiovascular phenotype. Last evaluated: 2026-06-21. Review status: criteria provided, single submitter. Criteria: Ambry Variant Classification Scheme 2023. Collection method: clinical testing. Allele origin: germline.
Comment: The p.Q1121K variant (also known as c.3361C>A), located in coding exon 26 of the JAG1 gene, results from a C to A substitution at nucleotide position 3361. The glutamine at codon 1121 is replaced by lysine, an amino acid with similar properties. This amino acid position is conserved. In addition, this alteration is predicted to be deleterious by in silico analysis. Based on the available evidence, the clinical significance of this variant remains unclear.